The following is an entry in ClinVar:

ClinVar aggregate classification (germline): Uncertain significance (1 of 4 stars; one submission).

gnomAD v4.1: 4 of 1,612,658 alleles (0.00025%); highest among the groups gnomAD compares: South Asian, 0.0044%; no homozygotes.

Submission:

Labcorp Genetics (formerly Invitae), Labcorp
Classification: Uncertain significance. Last evaluated: 2025-10-23. Review status: criteria provided, single submitter. Criteria: Invitae Variant Classification Sherloc (09022015). Collection method: clinical testing. Allele origin: germline.
Comment: This sequence change replaces proline, which is neutral and non-polar, with serine, which is neutral and polar, at codon 673 of the ADGRE2 protein (p.Pro673Ser). This variant is present in population databases (rs560171435, gnomAD 0.01%). This variant has not been reported in the literature in individuals affected with ADGRE2-related conditions. An algorithm developed to predict the effect of missense changes on protein structure and function outputs the following: PolyPhen-2: "Benign". The serine amino acid residue is found in multiple mammalian species, which suggests that this missense change does not adversely affect protein function. In summary, the available evidence is currently insufficient to determine the role of this variant in disease. Therefore, it has been classified as a Variant of Uncertain Significance.

NM_013447.4(ADGRE2):c.2017C>T (p.Pro673Ser)

Gene: ADGRE2 (adhesion G protein-coupled receptor E2; minus strand). Cytogenetic location: 19p13.12.
Variant type: single nucleotide variant.
Coding change: c.2017C>T on transcript NM_013447.4 (MANE Select); coding-DNA position 2017, C replaced by T.
Protein change: p.Pro673Ser; replaces proline 673 with serine.
Molecular consequence: missense variant.
Genome position (GRCh38, 1-based): chr19:14,751,443, G>A on the plus strand (C>T on the coding strand, the complement: ADGRE2 is on the minus strand). VCF-style: chr19-14751443-G-A. GRCh37 (hg19) VCF-style: chr19-14862255-G-A.
Other names: c.1843C>T, p.Pro615Ser (NM_001271052.1); c.1870C>T, p.Pro624Ser (NM_152916.2); c.1738C>T, p.Pro580Ser (NM_152917.2); short protein forms P624S, P580S, P615S, P673S.
Identifiers: ClinVar variation 4698588 (VCV004698588.1).